The following is an entry in ClinVar:

ClinVar aggregate classification (germline): Pathogenic (1 of 4 stars; one submission).

Submission:

GeneDx
Classification: Pathogenic. Last evaluated: 2026-01-26. Review status: criteria provided, single submitter. Criteria: GeneDx Variant Classification Process June 2021. Collection method: clinical testing. Allele origin: germline. Affected: yes.
Comment: Not observed at significant frequency in large population cohorts (gnomAD); In silico analysis supports that this missense variant has a deleterious effect on protein structure/function; Has not been previously published as pathogenic or benign to our knowledge; This variant is associated with the following publications: (PMID: 16053902)

NM_014795.4(ZEB2):c.3058G>A (p.Glu1020Lys)

Gene: ZEB2 (zinc finger E-box binding homeobox 2; minus strand). Cytogenetic location: 2q22.3.
Variant type: single nucleotide variant.
Coding change: c.3058G>A on transcript NM_014795.4 (MANE Select); coding-DNA position 3058, G replaced by A.
Protein change: p.Glu1020Lys; replaces glutamic acid 1020 with lysine.
Molecular consequence: missense variant.
Genome position (GRCh38, 1-based): chr2:144,396,421, C>T on the plus strand (G>A on the coding strand, the complement: ZEB2 is on the minus strand). VCF-style: chr2-144396421-C-T. GRCh37 (hg19) VCF-style: chr2-145153988-C-T.
Other names: c.2986G>A, p.Glu996Lys (NM_001171653.2); short protein forms E1020K, E996K.
Identifiers: ClinVar variation 3781154 (VCV003781154.3).